The following is an entry in ClinVar:

ClinVar aggregate classification (germline): Uncertain significance. Review status: criteria provided, single submitter (1 of 4 stars). 2 submissions from 2 submitters: Uncertain significance (1). 1 of the submissions does not count toward it. Last evaluated 2022-05-02.

Conditions:
Inborn genetic diseases. Identifiers: MedGen C0950123, MeSH D030342.

Allele frequency attached by ClinVar (database versions not stated): ExAC 0.00002; gnomAD exomes 0.00002 and 0.00001; gnomAD 0.00004 and 0.00003; TOPMed 0.00003.

Submissions (2):

Ambry Genetics
Classification: Uncertain significance for Inborn genetic diseases. Last evaluated: 2022-05-02. Review status: criteria provided, single submitter. Criteria: Ambry Variant Classification Scheme 2023. Collection method: clinical testing. Allele origin: germline.
Comment: The p.V80I variant (also known as c.238G>A), located in coding exon 2 of the IDUA gene, results from a G to A substitution at nucleotide position 238. The valine at codon 80 is replaced by isoleucine, an amino acid with highly similar properties. This amino acid position is conserved. In addition, the in silico prediction for this alteration is inconclusive. Since supporting evidence is limited at this time, the clinical significance of this alteration remains unclear.

Department of Pathology and Laboratory Medicine, Sinai Health System
Classification: Uncertain significance. Review status: no assertion criteria provided. Collection method: clinical testing. Allele origin: unknown. Affected: yes. Study: The Canadian Open Genetics Repository (COGR). Not counted in ClinVar's aggregate classification.
Comment: The IDUA p.Val80Ile variant was not identified in the literature nor was it identified in ClinVar. The variant was identified in dbSNP (ID: rs749227148) and LOVD 3.0 (classified as unknown significance by VKGL-NL). The variant was identified in control databases in 4 of 237752 chromosomes at a frequency of 0.00001682 (Genome Aggregation Database March 6, 2019, v2.1.1). The variant was observed in the following populations: South Asian in 2 of 29954 chromosomes (freq: 0.000067), African in 1 of 15174 chromosomes (freq: 0.000066) and European (non-Finnish) in 1 of 104442 chromosomes (freq: 0.00001), but was not observed in the Latino, Ashkenazi Jewish, East Asian, European (Finnish), or Other populations. The p.Val80 residue is conserved in mammals but not in more distantly related organisms, however four out of five computational analyses (PolyPhen-2, SIFT, AlignGVGD, BLOSUM, MutationTaster) do not suggest a high likelihood of impact to the protein; this information is not predictive enough to rule out pathogenicity. The variant occurs outside of the splicing consensus sequence and in silico or computational prediction software programs (SpliceSiteFinder, MaxEntScan, NNSPLICE, GeneSplicer) do not predict a difference in splicing. In summary, based on the above information the clinical significance of this variant cannot be determined with certainty at this time. This variant is classified as a variant of uncertain significance.

NM_000203.5(IDUA):c.238G>A (p.Val80Ile)

Genes: IDUA (alpha-L-iduronidase; plus strand), SLC26A1 (solute carrier family 26 member 1; minus strand). Cytogenetic location: 4p16.3.
Variant type: single nucleotide variant.
Coding change: c.238G>A on transcript NM_000203.5 (MANE Select); coding-DNA position 238, G replaced by A.
Protein change: p.Val80Ile; replaces valine 80 with isoleucine.
Molecular consequence: missense variant. On other transcripts: 3 prime UTR variant (2), non-coding transcript variant (1), intron variant (1).
Genome position (GRCh38, 1-based): chr4:987,888, G>A. VCF-style: chr4-987888-G-A. GRCh37 (hg19) VCF-style: chr4-981676-G-A.
Other names: c.*945C>T (NM_022042.4, NM_213613.4); c.576+3240C>T (NM_134425.4); short protein forms V80I.
Identifiers: ClinVar variation 1049370 (VCV001049370.3), dbSNP rs749227148, ClinGen allele CA2801145.